The following is an entry in ClinVar:

NM_015021.3(ZNF292):c.6133G>A (p.Val2045Ile)

Gene: ZNF292 (zinc finger protein 292; plus strand). Cytogenetic location: 6q14.3.
Variant type: single nucleotide variant.
Coding change: c.6133G>A on transcript NM_015021.3 (MANE Select); coding-DNA position 6133, G replaced by A.
Protein change: p.Val2045Ile; replaces valine 2045 with isoleucine.
Molecular consequence: missense variant.
Genome position (GRCh38, 1-based): chr6:87,259,762, G>A. VCF-style: chr6-87259762-G-A. GRCh37 (hg19) VCF-style: chr6-87969480-G-A.
Other names: c.5713G>A, p.Val1905Ile (NM_001351444.2); short protein forms V1905I, V2045I.
Identifiers: ClinVar variation 1239281 (VCV001239281.5), dbSNP rs6910541, ClinGen allele CA3914574.

ClinVar aggregate classification (germline): Benign. Review status: criteria provided, single submitter (1 of 4 stars). 2 submissions from 2 submitters: Benign (1). 1 of the submissions does not count toward it. Last evaluated 2018-07-05.

Conditions:
ZNF292-related disorder. Also called: ZNF292-related condition.

Allele frequency attached by ClinVar (database versions not stated): gnomAD 0.10744 and 0.10788; ESP Exome Variant Server 0.10953; 1000 Genomes Project 0.11242; TOPMed 0.11510; 1000 Genomes Project 30x 0.11680; ExAC 0.13421.
gnomAD v4.1: 162,218 of 1,600,808 alleles (10%); highest among the groups gnomAD compares: Middle Eastern, 16%; 8,619 homozygotes.

Submissions (2):

GeneDx
Classification: Benign. Last evaluated: 2018-07-05. Review status: criteria provided, single submitter. Criteria: GeneDx Variant Classification Process June 2021. Collection method: clinical testing. Allele origin: germline. Affected: yes.
Comment: This variant is associated with the following publications: (PMID: 30564305)

PreventionGenetics, part of Exact Sciences
Classification: Benign for ZNF292-related condition. Last evaluated: 2019-11-25. Review status: no assertion criteria provided. Collection method: clinical testing. Allele origin: germline. Not counted in ClinVar's aggregate classification.
Comment: This variant is classified as benign based on ACMG/AMP sequence variant interpretation guidelines (Richards et al. 2015 PMID: 25741868, with internal and published modifications).